The following is an entry in ClinVar:

ClinVar aggregate classification (germline): Uncertain significance (1 of 4 stars; one submission).

Conditions:
Thrombomodulin-related bleeding disorder (THPH12). Also called: Thrombophilia due to thrombomodulin defect. Identifiers: Orphanet 436169, MedGen C3280976, MONDO:0013775, OMIM 614486.

Submission:

Genomenon, Inc
Classification: Uncertain significance for Thrombomodulin-related bleeding disorder. Last evaluated: 2026-09-17. Review status: criteria provided, single submitter. Criteria: Genomenon Sequence Variant Interpretation Standards - Updated. Collection method: curation. Allele origin: germline. Affected: no.
Comment: THBD p.Gly250Arg (c.748G>C) is a missense variant that changes the amino acid at codon 250 from glycine to arginine. This variant has been reported in the published literature (PMID:39841007;35436795). It is absent or not present at a significant frequency in gnomAD. In silico models predict that this variant is possibly or probably damaging. In conclusion, we classify THBD p.Gly250Arg (c.748G>C) as a variant of uncertain significance.

Literature cited by the submitters: PubMed 39841007; PubMed 35436795.

NM_000361.3(THBD):c.748G>C (p.Gly250Arg)

Gene: THBD (thrombomodulin; minus strand). Cytogenetic location: 20p11.21.
Variant type: single nucleotide variant.
Coding change: c.748G>C on transcript NM_000361.3 (MANE Select); coding-DNA position 748, G replaced by C.
Protein change: p.Gly250Arg; replaces glycine 250 with arginine.
Molecular consequence: missense variant.
Genome position (GRCh38, 1-based): chr20:23,048,757, C>G on the plus strand (G>C on the coding strand, the complement: THBD is on the minus strand). VCF-style: chr20-23048757-C-G. GRCh37 (hg19) VCF-style: chr20-23029394-C-G.
Other names: short protein forms G250R.
Identifiers: ClinVar variation 4280578 (VCV004280578.2).